The following is an entry in ClinVar:

NM_001256789.3(CACNA1F):c.323C>G (p.Ala108Gly)

Gene: CACNA1F (calcium voltage-gated channel subunit alpha1 F; minus strand). Cytogenetic location: Xp11.23.
Variant type: single nucleotide variant.
Coding change: c.323C>G on transcript NM_001256789.3 (MANE Select); coding-DNA position 323, C replaced by G.
Protein change: p.Ala108Gly; replaces alanine 108 with glycine.
Molecular consequence: missense variant.
Genome position (GRCh38, 1-based): chrX:49,231,260, G>C on the plus strand (C>G on the coding strand, the complement: CACNA1F is on the minus strand). VCF-style: chrX-49231260-G-C. GRCh37 (hg19) VCF-style: chrX-49087722-G-C.
Other names: c.128C>G, p.Ala43Gly (NM_001256790.3); c.323C>G, p.Ala108Gly (NM_005183.4); c.323C>G (NM_005183.2); short protein forms A43G, A108G.
Identifiers: ClinVar variation 2011051 (VCV002011051.5), dbSNP rs2519141291, ClinGen allele CA412926679.

ClinVar aggregate classification (germline): Uncertain significance. Review status: criteria provided, multiple submitters, no conflicts (2 of 4 stars). 2 submissions from 2 submitters: Uncertain significance (2). Last evaluated 2025-09-10.

Conditions:
Inborn genetic diseases. Identifiers: MedGen C0950123, MeSH D030342.

Submissions (2):

Ambry Genetics
Classification: Uncertain significance for Inborn genetic diseases. Last evaluated: 2025-09-10. Review status: criteria provided, single submitter. Criteria: Ambry Variant Classification Scheme 2023. Collection method: clinical testing. Allele origin: germline.

Labcorp Genetics (formerly Invitae), Labcorp
Classification: Uncertain significance. Last evaluated: 2021-11-28. Review status: criteria provided, single submitter. Criteria: Invitae Variant Classification Sherloc (09022015). Collection method: clinical testing. Allele origin: germline.
Comment: In summary, the available evidence is currently insufficient to determine the role of this variant in disease. Therefore, it has been classified as a Variant of Uncertain Significance. Algorithms developed to predict the effect of missense changes on protein structure and function (SIFT, PolyPhen-2, Align-GVGD) all suggest that this variant is likely to be disruptive. This variant has not been reported in the literature in individuals affected with CACNA1F-related conditions. This variant is not present in population databases (gnomAD no frequency). This sequence change replaces alanine, which is neutral and non-polar, with glycine, which is neutral and non-polar, at codon 108 of the CACNA1F protein (p.Ala108Gly).